The following is an entry in ClinVar:

ClinVar aggregate classification (germline): Conflicting classifications of pathogenicity. Review status: criteria provided, conflicting classifications (1 of 4 stars). 5 submissions from 5 submitters: Uncertain significance (2); Likely benign (2). 1 of the submissions does not count toward it. Last evaluated 2026-01-20.

Conditions:
MYLK-related disorder. Also called: MYLK-related condition.
Familial thoracic aortic aneurysm and aortic dissection (TAAD). Also called: Thoracic aortic aneurysms and dissections. Identifiers: Orphanet 91387, MedGen C4707243, MONDO:0019625.
Aortic aneurysm, familial thoracic 7 (AAT7). Also called: AORTIC DISSECTION, FAMILIAL, WITH OR WITHOUT AORTIC ANEURYSM. Identifiers: MedGen C3151077, MONDO:0013418, OMIM 613780.

Allele frequency attached by ClinVar (database versions not stated): gnomAD exomes 0.00001; ExAC 0.00002; gnomAD 0.00003 and 0.00004; TOPMed 0.00005; ESP Exome Variant Server 0.00008.
gnomAD v4.1: 97 of 1,613,696 alleles (0.006%); highest among the groups gnomAD compares: Non-Finnish European, 0.0081%; no homozygotes.

Submissions (5):

Labcorp Genetics (formerly Invitae), Labcorp
Classification: Likely benign for Aortic aneurysm, familial thoracic 7. Last evaluated: 2026-01-20. Review status: criteria provided, single submitter. Criteria: Invitae Variant Classification Sherloc (09022015). Collection method: clinical testing. Allele origin: germline.

Women's Health and Genetics/Laboratory Corporation of America, LabCorp
Classification: Likely benign. Last evaluated: 2024-09-22. Review status: criteria provided, single submitter. Criteria: LabCorp Variant Classification Summary - May 2015. Collection method: clinical testing. Allele origin: germline.

CHEO Genetics Diagnostic Laboratory, Children's Hospital of Eastern Ontario
Classification: Uncertain significance for Familial thoracic aortic aneurysm and aortic dissection. Last evaluated: 2021-11-08. Review status: criteria provided, single submitter. Criteria: ACMG Guidelines, 2015. Collection method: clinical testing. Allele origin: germline.

Illumina Laboratory Services, Illumina
Classification: Uncertain significance for Aortic aneurysm, familial thoracic 7. Last evaluated: 2018-01-13. Review status: criteria provided, single submitter. Criteria: ICSL Variant Classification Criteria 13 December 2019. Collection method: clinical testing. Allele origin: germline.

PreventionGenetics, part of Exact Sciences
Classification: Likely benign for MYLK-related condition. Last evaluated: 2019-07-30. Review status: no assertion criteria provided. Collection method: clinical testing. Allele origin: germline. Not counted in ClinVar's aggregate classification.
Comment: This variant is classified as likely benign based on ACMG/AMP sequence variant interpretation guidelines (Richards et al. 2015 PMID: 25741868, with internal and published modifications).

NM_053025.4(MYLK):c.374-9T>C

Gene: MYLK (myosin light chain kinase; minus strand). Cytogenetic location: 3q21.1.
Variant type: single nucleotide variant.
Coding change: c.374-9T>C on transcript NM_053025.4 (MANE Select); 9 bases into the intron before coding-DNA position 374, T replaced by C.
Molecular consequence: intron variant.
Genome position (GRCh38, 1-based): chr3:123,740,010, A>G on the plus strand (T>C on the coding strand, the complement: MYLK is on the minus strand). VCF-style: chr3-123740010-A-G. GRCh37 (hg19) VCF-style: chr3-123458857-A-G.
Other names: c.-155-9T>C (NM_001321309.2); c.374-9T>C (NM_053028.4, NM_053026.4, NM_053027.4).
Identifiers: ClinVar variation 342906 (VCV000342906.18), dbSNP rs376695367, ClinGen allele CA070593.
Genomic context (GRCh38, chr3:123,740,010, plus strand): 5'-TACCCTAAGGTTTTGGAAACAACAGGCTGACCAAGCTGCTTCGCAAAACTTCCTGCAAGA[A>G]AAAGAGTTGATGAGTCAGGTCTGAGCCACCAACTTGGAGCAATGAAAGTAAAAAGATTCA-3'